The following is an entry in ClinVar:

ClinVar aggregate classification (germline): Likely pathogenic. Review status: criteria provided, single submitter (1 of 4 stars). 2 submissions from 2 submitters: Likely pathogenic (1). 1 of the submissions does not count toward it. Last evaluated 2022-05-22.

Conditions:
Nephrotic syndrome. Identifiers: MedGen C0027726, MONDO:0005377, HP:0000100.
Finnish congenital nephrotic syndrome (NPHS1). Also called: NEPHROTIC SYNDROME, TYPE 1. Identifiers: Orphanet 839, MedGen C0403399, MONDO:0009732, OMIM 256300.

Allele frequency attached by ClinVar (database versions not stated): TOPMed below 0.00001.

Submissions (2):

3billion
Classification: Likely pathogenic for Finnish congenital nephrotic syndrome. Last evaluated: 2022-05-22. Review status: criteria provided, single submitter. Criteria: ACMG Guidelines, 2015. Collection method: clinical testing. Allele origin: germline. Affected: yes. Observed: 1 homozygote.
Comment: The variant is not observed in the gnomAD v2.1.1 dataset. Same nucleotide change resulting in same amino acid change has been previously reported to be associated with NPHS1 related disorder (PMID: 28921387, 30655312). The variant has been observed in at least two similarly affected unrelated individuals (PMID:28921387, 30655312). In addition, It has been reported to co-segregate with the disease in at least one similarly affected relative/individual in the same family or similarly affected unrelated family (PMID:28921387, 30655312). Therefore, this variant is classified as likely pathogenic according to the recommendation of ACMG/AMP guideline.

Yale Center for Mendelian Genomics, Yale University
Classification: Likely pathogenic for Nephrotic syndrome. Last evaluated: 2019-01-17. Review status: no assertion criteria provided. Collection method: literature only. Allele origin: germline. Affected: yes. Observed: 1 homozygote. Study: Yale Center for Mendelian Genomics. Not counted in ClinVar's aggregate classification.

Literature cited by the submitters: PubMed 28921387 (cited by 3billion); PubMed 30655312 (cited by 3billion and Yale Center for Mendelian Genomics, Yale University).

NM_004646.4(NPHS1):c.728C>T (p.Pro243Leu)

Gene: NPHS1 (NPHS1 adhesion molecule, nephrin; minus strand). Cytogenetic location: 19q13.12.
Variant type: single nucleotide variant.
Coding change: c.728C>T on transcript NM_004646.4 (MANE Select); coding-DNA position 728, C replaced by T.
Protein change: p.Pro243Leu; replaces proline 243 with leucine.
Molecular consequence: missense variant.
Genome position (GRCh38, 1-based): chr19:35,849,348, G>A on the plus strand (C>T on the coding strand, the complement: NPHS1 is on the minus strand). VCF-style: chr19-35849348-G-A. GRCh37 (hg19) VCF-style: chr19-36340250-G-A.
Other names: short protein forms P243L.
Identifiers: ClinVar variation 1344646 (VCV001344646.2), dbSNP rs919999972, ClinGen allele CA307788164.
Genomic context (GRCh38, chr19:35,849,348, plus strand): 5'-AGCTCCAAGCTCTGTCCTGCCCGCACGTGCCCCTCATCCAGGCCTGGCCACTCGATGACA[G>A]GGGGTCCTGGAGGGACTGGGGGATATCAGTCACTCAGTGGGCCTGGAGTAGCCCATCCAC-3'
Protein context (NP_004637.1, residues 233-253): TVNVLFPPGP[Pro243Leu]VIEWPGLDEG